The following is an entry in ClinVar:

ClinVar aggregate classification (germline): Likely pathogenic (1 of 4 stars; one submission).

Submission:

Labcorp Genetics (formerly Invitae), Labcorp
Classification: Likely pathogenic. Last evaluated: 2024-11-30. Review status: criteria provided, single submitter. Criteria: Invitae Variant Classification Sherloc (09022015). Collection method: clinical testing. Allele origin: germline.
Comment: This sequence change replaces leucine, which is neutral and non-polar, with proline, which is neutral and non-polar, at codon 396 of the SERPING1 protein (p.Leu396Pro). This variant is not present in population databases (gnomAD no frequency). This missense change has been observed in individual(s) with hereditary angioedema (PMID: 18758157; internal data). It has also been observed to segregate with disease in related individuals. ClinVar contains an entry for this variant (Variation ID: 1000926). Invitae Evidence Modeling of protein sequence and biophysical properties (such as structural, functional, and spatial information, amino acid conservation, physicochemical variation, residue mobility, and thermodynamic stability) indicates that this missense variant is expected to disrupt SERPING1 protein function with a positive predictive value of 95%. In summary, the currently available evidence indicates that the variant is pathogenic, but additional data are needed to prove that conclusively. Therefore, this variant has been classified as Likely Pathogenic.

Literature cited by the submitters: PubMed 18758157.

NM_000062.3(SERPING1):c.1187T>C (p.Leu396Pro)

Gene: SERPING1 (serpin family G member 1; plus strand). Cytogenetic location: 11q12.1.
Variant type: single nucleotide variant.
Coding change: c.1187T>C on transcript NM_000062.3 (MANE Select); coding-DNA position 1187, T replaced by C.
Protein change: p.Leu396Pro; replaces leucine 396 with proline.
Molecular consequence: missense variant.
Genome position (GRCh38, 1-based): chr11:57,611,874, T>C. VCF-style: chr11-57611874-T-C. GRCh37 (hg19) VCF-style: chr11-57379347-T-C.
Other names: c.1187T>C, p.Leu396Pro (NM_001032295.2); short protein forms L396P.
Identifiers: ClinVar variation 1000926 (VCV001000926.8), dbSNP rs1945480228, ClinGen allele CA380703297.
Genomic context (GRCh38, chr11:57,611,874, plus strand): 5'-CTTCTGTTTTCAAGGCCATCATGGAGAAACTGGAGATGTCCAAGTTCCAGCCCACTCTCC[T>C]AACACTACCCCGCATCAAAGTGACGACCAGCCAGGATATGCTCTCAATCATGGAGAAATT-3'
Protein context (NP_000053.2, residues 386-406): LEMSKFQPTL[Leu396Pro]TLPRIKVTTS